The following is an entry in ClinVar:

NM_000078.3(CETP):c.930+6T>C

Gene: CETP (cholesteryl ester transfer protein; plus strand). Cytogenetic location: 16q13.
Variant type: single nucleotide variant.
Coding change: c.930+6T>C on transcript NM_000078.3 (MANE Select); 6 bases into the intron after coding-DNA position 930, T replaced by C.
Molecular consequence: intron variant.
Genome position (GRCh38, 1-based): chr16:56,973,516, T>C. VCF-style: chr16-56973516-T-C. GRCh37 (hg19) VCF-style: chr16-57007428-T-C.
Other names: p.?; c.750+1433T>C (NM_001286085.2).
Identifiers: ClinVar variation 3380394 (VCV003380394.1).

ClinVar aggregate classification (germline): Uncertain significance (1 of 4 stars; one submission).

Submission:

Mayo Clinic Laboratories, Mayo Clinic
Classification: Uncertain significance. Last evaluated: 2024-09-25. Review status: criteria provided, single submitter. Criteria: ACMG Guidelines, 2015. Collection method: clinical testing. Allele origin: germline. Observed: 1 variant allele.
Comment: BP4, PM2